The following is an entry in ClinVar:

NM_003392.7(WNT5A):c.967C>G (p.Arg323Gly)

Gene: WNT5A (Wnt family member 5A; minus strand). Cytogenetic location: 3p14.3.
Variant type: single nucleotide variant.
Coding change: c.967C>G on transcript NM_003392.7 (MANE Select); coding-DNA position 967, C replaced by G.
Protein change: p.Arg323Gly; replaces arginine 323 with glycine.
Molecular consequence: missense variant.
Genome position (GRCh38, 1-based): chr3:55,470,268, G>C on the plus strand (C>G on the coding strand, the complement: WNT5A is on the minus strand). VCF-style: chr3-55470268-G-C. GRCh37 (hg19) VCF-style: chr3-55504296-G-C.
Other names: c.922C>G, p.Arg308Gly (NM_001256105.1, NM_001377271.1, NM_001377272.1); short protein forms R308G, R323G.
Identifiers: ClinVar variation 5006666 (VCV005006666.2).
Genomic context (GRCh38, chr3:55,470,268, plus strand): 5'-CACGGCCGCAGCACATGAGCTCGCAGCCATCCATGCCCTCCGACGTCTTGTTGCACAGGC[G>C]GCCCTGCGTGCCCAGCGAGCCGGTGCTCTCATTGCGCACGCAGTAGTCAGGGCTGGGGTC-3'
Protein context (NP_003383.4, residues 313-333): ESTGSLGTQG[Arg323Gly]LCNKTSEGMD

ClinVar aggregate classification (germline): Uncertain significance (1 of 4 stars; one submission).

Conditions:
Autosomal dominant Robinow syndrome 1. Also called: ACRAL DYSOSTOSIS WITH FACIAL AND GENITAL ABNORMALITIES; ROBINOW DWARFISM; FETAL FACE SYNDROME; Covesdem syndrome (formerly); Costovertebral segmentation defect with mesomelia (formerly); WNT5A-Related Robinow Syndrome, Autosomal Dominant. Identifiers: Orphanet 3107, Orphanet 97360, MedGen C4551475, MONDO:0024455, OMIM 180700.

gnomAD v4.1: 1 of 1,614,022 alleles (0.000062%); highest among the groups gnomAD compares: Non-Finnish European, 0.000085%; no homozygotes.

Submission:

Juno Genomics, Hangzhou Juno Genomics, Inc
Classification: Uncertain significance for Autosomal dominant Robinow syndrome 1. Review status: criteria provided, single submitter. Criteria: ACMG Guidelines, 2015. Collection method: clinical testing. Allele origin: germline.
Comment: Absent from controls (or at extremely low frequency if recessive) in Genome Aggregation Database.;Multiple lines of computational evidence support a deleterious effect on the gene or gene product.